The following is an entry in ClinVar:

NM_032898.5(CEP19):c.284G>A (p.Arg95Gln)

Gene: CEP19 (centrosomal protein 19; minus strand). Cytogenetic location: 3q29.
Variant type: single nucleotide variant.
Coding change: c.284G>A on transcript NM_032898.5 (MANE Select); coding-DNA position 284, G replaced by A.
Protein change: p.Arg95Gln; replaces arginine 95 with glutamine.
Molecular consequence: missense variant.
Genome position (GRCh38, 1-based): chr3:196,707,759, C>T on the plus strand (G>A on the coding strand, the complement: CEP19 is on the minus strand). VCF-style: chr3-196707759-C-T. GRCh37 (hg19) VCF-style: chr3-196434630-C-T.
Other names: c.179G>A, p.Arg60Gln (NM_001379468.1); c.284G>A, p.Arg95Gln (NM_001379469.1, NM_001379470.1); short protein forms R60Q, R95Q.
Identifiers: ClinVar variation 1933206 (VCV001933206.3), dbSNP rs145982014, ClinGen allele CA2782107.

ClinVar aggregate classification (germline): Uncertain significance (1 of 4 stars; one submission).

Allele frequency attached by ClinVar (database versions not stated): 1000 Genomes Project 0.00020; 1000 Genomes Project 30x 0.00016.
gnomAD v4.1: 24 of 1,614,112 alleles (0.0015%); highest among the groups gnomAD compares: African/African-American, 0.004%; no homozygotes.

Submission:

Labcorp Genetics (formerly Invitae), Labcorp
Classification: Uncertain significance. Last evaluated: 2024-03-04. Review status: criteria provided, single submitter. Criteria: Invitae Variant Classification Sherloc (09022015). Collection method: clinical testing. Allele origin: germline.
Comment: This sequence change replaces arginine, which is basic and polar, with glutamine, which is neutral and polar, at codon 99 of the CEP19 protein (p.Arg99Gln). This variant is present in population databases (rs145982014, gnomAD 0.006%). This variant has not been reported in the literature in individuals affected with CEP19-related conditions. ClinVar contains an entry for this variant (Variation ID: 1933206). Algorithms developed to predict the effect of missense changes on protein structure and function output the following: SIFT: "Not Available"; PolyPhen-2: "Benign"; Align-GVGD: "Not Available". The glutamine amino acid residue is found in multiple mammalian species, which suggests that this missense change does not adversely affect protein function. In summary, the available evidence is currently insufficient to determine the role of this variant in disease. Therefore, it has been classified as a Variant of Uncertain Significance.